The following is an entry in ClinVar:

ClinVar aggregate classification (germline): Uncertain significance (1 of 4 stars; one submission).

Submission:

Labcorp Genetics (formerly Invitae), Labcorp
Classification: Uncertain significance. Last evaluated: 2022-09-06. Review status: criteria provided, single submitter. Criteria: Invitae Variant Classification Sherloc (09022015). Collection method: clinical testing. Allele origin: germline.
Comment: In summary, the available evidence is currently insufficient to determine the role of this variant in disease. Therefore, it has been classified as a Variant of Uncertain Significance. Algorithms developed to predict the effect of missense changes on protein structure and function (SIFT, PolyPhen-2, Align-GVGD) all suggest that this variant is likely to be tolerated. ClinVar contains an entry for this variant (Variation ID: 1446139). This variant has not been reported in the literature in individuals affected with PARS2-related conditions. This variant is not present in population databases (gnomAD no frequency). This sequence change replaces serine, which is neutral and polar, with isoleucine, which is neutral and non-polar, at codon 123 of the PARS2 protein (p.Ser123Ile).

NM_152268.4(PARS2):c.368G>T (p.Ser123Ile)

Gene: PARS2 (prolyl-tRNA synthetase 2, mitochondrial; minus strand). Cytogenetic location: 1p32.3.
Variant type: single nucleotide variant.
Coding change: c.368G>T on transcript NM_152268.4 (MANE Select); coding-DNA position 368, G replaced by T.
Protein change: p.Ser123Ile; replaces serine 123 with isoleucine.
Molecular consequence: missense variant.
Genome position (GRCh38, 1-based): chr1:54,758,794, C>A on the plus strand (G>T on the coding strand, the complement: PARS2 is on the minus strand). VCF-style: chr1-54758794-C-A. GRCh37 (hg19) VCF-style: chr1-55224467-C-A.
Other names: short protein forms S123I.
Identifiers: ClinVar variation 1446139 (VCV001446139.6), dbSNP rs1247681591, ClinGen allele CA340465306.